The following is an entry in ClinVar:

ClinVar aggregate classification (germline): Uncertain significance (1 of 4 stars; one submission).

Conditions:
Kabuki syndrome. Also called: Kabuki make-up syndrome; NIIKAWA-KUROKI SYNDROME. Identifiers: Orphanet 2322, MedGen C0796004, MONDO:0016512.

Submission:

Labcorp Genetics (formerly Invitae), Labcorp
Classification: Uncertain significance for Kabuki syndrome. Last evaluated: 2022-11-01. Review status: criteria provided, single submitter. Criteria: Invitae Variant Classification Sherloc (09022015). Collection method: clinical testing. Allele origin: germline.
Comment: This variant is not present in population databases (gnomAD no frequency). This variant has not been reported in the literature in individuals affected with KMT2D-related conditions. Advanced modeling of protein sequence and biophysical properties (such as structural, functional, and spatial information, amino acid conservation, physicochemical variation, residue mobility, and thermodynamic stability) performed at Invitae indicates that this missense variant is not expected to disrupt KMT2D protein function. In summary, the available evidence is currently insufficient to determine the role of this variant in disease. Therefore, it has been classified as a Variant of Uncertain Significance. This sequence change replaces arginine, which is basic and polar, with glycine, which is neutral and non-polar, at codon 1313 of the KMT2D protein (p.Arg1313Gly).

NM_003482.4(KMT2D):c.3937C>G (p.Arg1313Gly)

Genes: KMT2D (lysine methyltransferase 2D; minus strand), LOC126861520 (CDK7 strongly-dependent group 2 enhancer GRCh37_chr12:49442744-49443943; plus strand). Cytogenetic location: 12q13.12.
Variant type: single nucleotide variant.
Coding change: c.3937C>G on transcript NM_003482.4 (MANE Select); coding-DNA position 3937, C replaced by G.
Protein change: p.Arg1313Gly; replaces arginine 1313 with glycine.
Molecular consequence: missense variant.
Genome position (GRCh38, 1-based): chr12:49,049,188, G>C on the plus strand (C>G on the coding strand, the complement: KMT2D is on the minus strand). VCF-style: chr12-49049188-G-C. GRCh37 (hg19) VCF-style: chr12-49442971-G-C.
Other names: short protein forms R1313G.
Identifiers: ClinVar variation 1719343 (VCV001719343.6), dbSNP rs769189340, ClinGen allele CA384651935.